The following is an entry in ClinVar:

ClinVar aggregate classification (germline): Uncertain significance (1 of 4 stars; one submission).

Conditions:
Dilated cardiomyopathy 1G (CMD1G). Identifiers: Orphanet 154, MedGen C1858763, MONDO:0011400, OMIM 604145.
Autosomal recessive limb-girdle muscular dystrophy type 2J (LGMDR10). Also called: Limb-girdle muscular dystrophy, type 2J; MUSCULAR DYSTROPHY, LIMB-GIRDLE, AUTOSOMAL RECESSIVE 10. Identifiers: Orphanet 140922, MedGen C1837342, MONDO:0012127, OMIM 608807.

gnomAD v4.1: 2 of 1,613,818 alleles (0.00012%); highest among the groups gnomAD compares: African/African-American, 0.0013%; no homozygotes.

Submission:

Labcorp Genetics (formerly Invitae), Labcorp
Classification: Uncertain significance for Dilated cardiomyopathy 1G; Autosomal recessive limb-girdle muscular dystrophy type 2J. Last evaluated: 2025-04-30. Review status: criteria provided, single submitter. Criteria: Invitae Variant Classification Sherloc (09022015). Collection method: clinical testing. Allele origin: germline.
Comment: This sequence change replaces glutamic acid, which is acidic and polar, with lysine, which is basic and polar, at codon 34025 of the TTN protein (p.Glu34025Lys). This variant is not present in population databases (gnomAD no frequency). This variant has not been reported in the literature in individuals affected with TTN-related conditions. ClinVar contains an entry for this variant (Variation ID: 2056187). Experimental studies and prediction algorithms are not available or were not evaluated, and the functional significance of this variant is currently unknown. This variant is located in the M band of TTN (PMID: 25589632). Non-truncating variants in this region may be relevant for neuromuscular disorders, but have not been definitively shown to cause cardiomyopathy (PMID: 23975875). In summary, the available evidence is currently insufficient to determine the role of this variant in disease. Therefore, it has been classified as a Variant of Uncertain Significance.

Literature cited by the submitters: PubMed 25589632; PubMed 23975875.

NM_001267550.2(TTN):c.102073G>A (p.Glu34025Lys)

Genes: TTN-AS1 (TTN antisense RNA 1; plus strand), TTN (titin; minus strand). Cytogenetic location: 2q31.2.
Variant type: single nucleotide variant.
Coding change: c.102073G>A on transcript NM_001267550.2 (MANE Select); coding-DNA position 102073, G replaced by A.
Protein change: p.Glu34025Lys; replaces glutamic acid 34025 with lysine.
Molecular consequence: missense variant.
Genome position (GRCh38, 1-based): chr2:178,534,542, C>T on the plus strand (G>A on the coding strand, the complement: TTN is on the minus strand). VCF-style: chr2-178534542-C-T. GRCh37 (hg19) VCF-style: chr2-179399269-C-T.
Other names: c.97150G>A, p.Glu32384Lys (NM_001256850.1); c.74878G>A, p.Glu24960Lys (NM_003319.4); c.94369G>A, p.Glu31457Lys (NM_133378.4); c.75253G>A, p.Glu25085Lys (NM_133432.3); c.75454G>A, p.Glu25152Lys (NM_133437.4); short protein forms E32384K, E24960K, E34025K, E25085K, E25152K, E31457K.
Identifiers: ClinVar variation 2056187 (VCV002056187.4), dbSNP rs2468539850, ClinGen allele CA349418432.